The following is an entry in ClinVar:

ClinVar aggregate classification (germline): Pathogenic (1 of 4 stars; one submission).

Conditions:
Exostoses, multiple, type 2 (EXT2). Also called: Hereditary Multiple Osteochondromatosis, Type II; EXOSTOSES, MULTIPLE, TYPE II. Identifiers: Orphanet 321, MedGen C1851413, MONDO:0007586, OMIM 133701.

Submission:

Labcorp Genetics (formerly Invitae), Labcorp
Classification: Pathogenic for Exostoses, multiple, type 2. Last evaluated: 2018-07-13. Review status: criteria provided, single submitter. Criteria: Invitae Variant Classification Sherloc (09022015). Collection method: clinical testing. Allele origin: germline.
Comment: This sequence change creates a premature translational stop signal (p.Met543Asnfs*5) in the EXT2 gene. It is expected to result in an absent or disrupted protein product. This variant is not present in population databases (ExAC no frequency). This variant has not been reported in the literature in individuals with a EXT2-related disease. Loss-of-function variants in EXT2 are known to be pathogenic (PMID: 19810120). For these reasons, this variant has been classified as Pathogenic.

Literature cited by the submitters: PubMed 19810120.

NM_207122.2(EXT2):c.1627dup (p.Met543fs)

Gene: EXT2 (exostosin glycosyltransferase 2; plus strand). Cytogenetic location: 11p11.2.
Variant type: Duplication.
Coding change: c.1627dup on transcript NM_207122.2 (MANE Select); coding-DNA position 1627, one base duplicated (A; older notation c.1627dupA).
Protein change: p.Met543fs; shifts the reading frame from methionine 543.
Molecular consequence: frameshift variant.
Genome position (GRCh38, 1-based): chr11:44,206,924, A duplicated. VCF-style (leftmost placement, unchanged base first): chr11-44206923-T-TA. GRCh37 (hg19) VCF-style: chr11-44228473-T-TA.
Other names: c.1627dupA (NM_207122.1); c.1726dup, p.Met576fs (NM_000401.3); c.1657dup, p.Met553fs (NM_001178083.3); c.1627dup, p.Met543fs (NM_001389628.1, NM_001389630.1); short protein forms M553fs, M576fs, M543fs.
Identifiers: ClinVar variation 660873 (VCV000660873.7), dbSNP rs1590647371, ClinGen allele CA915948111.
Genomic context (GRCh38, chr11:44,206,923, plus strand): 5'-TTTCTTCCCTTATGATGAAATCGAGACAGAAGCTGTTCTGGCCATTGATGATGATATCAT[T>TA]ATGCTGACCTCTGACGAGCTGCAATTTGGTTATGAGGTAAGGAGGTTTTACACAGTGTGT-3'